The following is an entry in ClinVar:

NM_000143.4(FH):c.555+4A>C

Gene: FH (fumarate hydratase; minus strand). Cytogenetic location: 1q43.
Variant type: single nucleotide variant.
Coding change: c.555+4A>C on transcript NM_000143.4 (MANE Select); 4 bases into the intron after coding-DNA position 555, A replaced by C.
Molecular consequence: intron variant.
Genome position (GRCh38, 1-based): chr1:241,511,963, T>G on the plus strand (A>C on the coding strand, the complement: FH is on the minus strand). VCF-style: chr1-241511963-T-G. GRCh37 (hg19) VCF-style: chr1-241675263-T-G.
Identifiers: ClinVar variation 1748241 (VCV001748241.2), dbSNP rs776240700, ClinGen allele CA2580063434.

ClinVar aggregate classification (germline): Uncertain significance (1 of 4 stars; one submission).

Conditions:
Hereditary cancer-predisposing syndrome. Also called: Hereditary Cancer Syndrome; Hereditary neoplastic syndrome; Neoplastic Syndromes, Hereditary; Tumor predisposition. Identifiers: Orphanet 140162, MedGen C0027672, MeSH D009386, MONDO:0015356.

gnomAD v4.1: 2 of 1,613,856 alleles (0.00012%); highest among the groups gnomAD compares: South Asian, 0.0022%; no homozygotes.

Submission:

Ambry Genetics
Classification: Uncertain significance for Hereditary cancer-predisposing syndrome. Last evaluated: 2022-07-11. Review status: criteria provided, single submitter. Criteria: Ambry Variant Classification Scheme 2023. Collection method: clinical testing. Allele origin: germline.
Comment: The c.555+4A>C intronic variant results from an A to C substitution 4 nucleotides after coding exon 4 in the FH gene. This nucleotide position is not well conserved in available vertebrate species. In silico splice site analysis predicts that this alteration will not have any significant effect on splicing. Since supporting evidence is limited at this time, the clinical significance of this alteration remains unclear.